The following is an entry in ClinVar:

NM_001197104.2(KMT2A):c.176C>G (p.Ala59Gly)

Gene: KMT2A (lysine methyltransferase 2A; plus strand). Cytogenetic location: 11q23.3.
Variant type: single nucleotide variant.
Coding change: c.176C>G on transcript NM_001197104.2 (MANE Select); coding-DNA position 176, C replaced by G.
Protein change: p.Ala59Gly; replaces alanine 59 with glycine.
Molecular consequence: missense variant.
Genome position (GRCh38, 1-based): chr11:118,436,688, C>G. VCF-style: chr11-118436688-C-G. GRCh37 (hg19) VCF-style: chr11-118307403-C-G.
Other names: c.176C>G, p.Ala59Gly (NM_005933.4); short protein forms A59G.
Identifiers: ClinVar variation 1331309 (VCV001331309.2), dbSNP rs1949188671, ClinGen allele CA382797412.

ClinVar aggregate classification (germline): Uncertain significance (1 of 4 stars; one submission).

Allele frequency attached by ClinVar (database versions not stated): TOPMed below 0.00001; gnomAD 0.00001; 1000 Genomes Project 30x 0.00016.

Submission:

GeneDx
Classification: Uncertain significance. Last evaluated: 2021-06-30. Review status: criteria provided, single submitter. Criteria: GeneDx Variant Classification Process June 2021. Collection method: clinical testing. Allele origin: germline. Affected: yes.
Comment: Not observed at significant frequency in large population cohorts (Lek et al., 2016); In silico analysis supports that this missense variant does not alter protein structure/function; Has not been previously published as pathogenic or benign to our knowledge; This variant is associated with the following publications: (PMID: 27535533)